The following is an entry in ClinVar:

NM_000540.3(RYR1):c.12501G>C (p.Glu4167Asp)

Gene: RYR1 (ryanodine receptor 1; plus strand). Cytogenetic location: 19q13.2.
Variant type: single nucleotide variant.
Coding change: c.12501G>C on transcript NM_000540.3 (MANE Select); coding-DNA position 12501, G replaced by C.
Protein change: p.Glu4167Asp; replaces glutamic acid 4167 with aspartic acid.
Molecular consequence: missense variant.
Genome position (GRCh38, 1-based): chr19:38,561,331, G>C. VCF-style: chr19-38561331-G-C. GRCh37 (hg19) VCF-style: chr19-39051971-G-C.
Other names: c.12486G>C, p.Glu4162Asp (NM_001042723.2); short protein forms E4167D, E4162D.
Identifiers: ClinVar variation 4776199 (VCV004776199.1).

ClinVar aggregate classification (germline): Uncertain significance (1 of 4 stars; one submission).

Conditions:
RYR1-related disorder. Also called: RYR1-related condition; RYR1-related disorders. Identifiers: MedGen CN239331.

gnomAD v4.1: 3 of 1,613,992 alleles (0.00019%); highest among the groups gnomAD compares: Non-Finnish European, 0.00025%; no homozygotes.

Submission:

Labcorp Genetics (formerly Invitae), Labcorp
Classification: Uncertain significance for RYR1-related disorder. Last evaluated: 2025-02-18. Review status: criteria provided, single submitter. Criteria: Invitae Variant Classification Sherloc (09022015). Collection method: clinical testing. Allele origin: germline.
Comment: This sequence change replaces glutamic acid, which is acidic and polar, with aspartic acid, which is acidic and polar, at codon 4167 of the RYR1 protein (p.Glu4167Asp). This variant is not present in population databases (gnomAD no frequency). This variant has not been reported in the literature in individuals affected with RYR1-related conditions. Invitae Evidence Modeling of protein sequence and biophysical properties (such as structural, functional, and spatial information, amino acid conservation, physicochemical variation, residue mobility, and thermodynamic stability) indicates that this missense variant is not expected to disrupt RYR1 protein function with a negative predictive value of 80%. In summary, the available evidence is currently insufficient to determine the role of this variant in disease. Therefore, it has been classified as a Variant of Uncertain Significance.